The following is an entry in ClinVar:

NM_001742.4(CALCR):c.127G>A (p.Val43Ile)

Gene: CALCR (calcitonin receptor; minus strand). Cytogenetic location: 7q21.3.
Variant type: single nucleotide variant.
Coding change: c.127G>A on transcript NM_001742.4 (MANE Select); coding-DNA position 127, G replaced by A.
Protein change: p.Val43Ile; replaces valine 43 with isoleucine.
Molecular consequence: missense variant.
Genome position (GRCh38, 1-based): chr7:93,479,432, C>T on the plus strand (G>A on the coding strand, the complement: CALCR is on the minus strand). VCF-style: chr7-93479432-C-T. GRCh37 (hg19) VCF-style: chr7-93108744-C-T.
Other names: c.127G>A, p.Val43Ile (NM_001164737.3, NM_001164738.2); short protein forms V43I.
Identifiers: ClinVar variation 717880 (VCV000717880.13), dbSNP rs142718250, ClinGen allele CA4345686.

ClinVar aggregate classification (germline): Likely benign. Review status: criteria provided, multiple submitters, no conflicts (2 of 4 stars). 4 submissions from 4 submitters: Likely benign (3). 1 of the submissions does not count toward it. Last evaluated 2025-04-01.

Conditions:
CALCR-related disorder. Also called: CALCR-related condition.

Allele frequency attached by ClinVar (database versions not stated): 1000 Genomes Project 30x 0.00031; 1000 Genomes Project 0.00040; gnomAD 0.00150 and 0.00155; TOPMed 0.00156; gnomAD exomes 0.00161 and 0.00197; ESP Exome Variant Server 0.00200; ExAC 0.00205.

Submissions (4):

CeGaT Center for Human Genetics Tuebingen
Classification: Likely benign. Last evaluated: 2025-04-01. Review status: criteria provided, single submitter. Criteria: CeGaT Center For Human Genetics Tuebingen Variant Classification Criteria Version 2. Collection method: clinical testing. Allele origin: germline. Affected: yes. Observed: 1 variant allele.
Comment: CALCR: BP4

Labcorp Genetics (formerly Invitae), Labcorp
Classification: Likely benign. Last evaluated: 2018-06-06. Review status: criteria provided, single submitter. Criteria: Invitae Variant Classification Sherloc (09022015). Collection method: clinical testing. Allele origin: germline.

Breakthrough Genomics
Classification: Likely benign. Review status: criteria provided, single submitter. Criteria: ACMG Guidelines, 2015. Collection method: not provided. Allele origin: germline. Inheritance: Autosomal dominant inheritance. Affected: yes.

PreventionGenetics, part of Exact Sciences
Classification: Benign for CALCR-related condition. Last evaluated: 2019-10-31. Review status: no assertion criteria provided. Collection method: clinical testing. Allele origin: germline. Not counted in ClinVar's aggregate classification.
Comment: This variant is classified as benign based on ACMG/AMP sequence variant interpretation guidelines (Richards et al. 2015 PMID: 25741868, with internal and published modifications).